The following is an entry in ClinVar:

NM_000236.3(LIPC):c.465G>T (p.Val155=)

Gene: LIPC (lipase C, hepatic type; plus strand). Cytogenetic location: 15q21.3.
Variant type: single nucleotide variant.
Coding change: c.465G>T on transcript NM_000236.3 (MANE Select); coding-DNA position 465, G replaced by T.
Protein change: p.Val155=; no amino-acid change (valine 155 retained).
Molecular consequence: synonymous variant.
Genome position (GRCh38, 1-based): chr15:58,542,542, G>T. VCF-style: chr15-58542542-G-T. GRCh37 (hg19) VCF-style: chr15-58834741-G-T.
Other names: p.Val155=.
Identifiers: ClinVar variation 316660 (VCV000316660.19), dbSNP rs690, ClinGen allele CA7584876.

ClinVar aggregate classification (germline): Benign. Review status: criteria provided, multiple submitters, no conflicts (2 of 4 stars). 7 submissions from 7 submitters: Benign (5). 2 of the submissions do not count toward it. Last evaluated 2026-02-04.

Conditions:
Hyperlipidemia due to hepatic triglyceride lipase deficiency. Also called: LIPC DEFICIENCY. Identifiers: Orphanet 140905, MedGen C3151466, MONDO:0013533, OMIM 614025.

Allele frequency attached by ClinVar (database versions not stated): 1000 Genomes Project 0.47804; 1000 Genomes Project 30x 0.48844; TOPMed 0.54186; gnomAD 0.54629 and 0.55073; ESP Exome Variant Server 0.57889.
gnomAD v4.1: 905,405 of 1,605,242 alleles (56%); highest among the groups gnomAD compares: Non-Finnish European, 58%; 260,334 homozygotes.

Submissions (7):

Labcorp Genetics (formerly Invitae), Labcorp
Classification: Benign. Last evaluated: 2026-02-04. Review status: criteria provided, single submitter. Criteria: Invitae Variant Classification Sherloc (09022015). Collection method: clinical testing. Allele origin: germline.

Mayo Clinic Laboratories, Mayo Clinic
Classification: Benign. Last evaluated: 2024-03-26. Review status: criteria provided, single submitter. Criteria: ACMG Guidelines, 2015. Collection method: clinical testing. Allele origin: germline. Observed: 77 variant alleles.
Comment: BA1, BP4, BP7

GeneDx
Classification: Benign. Last evaluated: 2018-08-30. Review status: criteria provided, single submitter. Criteria: GeneDx Variant Classification Process June 2021. Collection method: clinical testing. Allele origin: germline. Affected: yes.

Illumina Laboratory Services, Illumina
Classification: Benign for Hyperlipidemia due to hepatic triglyceride lipase deficiency. Last evaluated: 2018-01-13. Review status: criteria provided, single submitter. Criteria: ICSL Variant Classification Criteria 13 December 2019. Collection method: clinical testing. Allele origin: germline.
Comment: This variant was observed in the ICSL laboratory as part of a predisposition screen in an ostensibly healthy population. It had not been previously curated by ICSL or reported in the Human Gene Mutation Database (HGMD: prior to June 1st, 2018), and was therefore a candidate for classification through an automated scoring system. Utilizing variant allele frequency, disease prevalence and penetrance estimates, and inheritance mode, an automated score was calculated to assess if this variant is too frequent to cause the disease. Based on the score and internal cut-off values, a variant classified as benign is not then subjected to further curation. The score for this variant resulted in a classification of benign for this disease.

Breakthrough Genomics
Classification: Benign. Review status: criteria provided, single submitter. Criteria: ACMG Guidelines, 2015. Collection method: not provided. Allele origin: germline. Inheritance: Autosomal recessive inheritance. Affected: yes.

Clinical Genetics, Academic Medical Center
Classification: Benign. Review status: no assertion criteria provided. Collection method: clinical testing. Allele origin: germline. Affected: yes. Study: VKGL Data-share Consensus. Not counted in ClinVar's aggregate classification.

Diagnostic Laboratory, Department of Genetics, University Medical Center Groningen
Classification: Benign. Review status: no assertion criteria provided. Collection method: clinical testing. Allele origin: germline. Affected: yes. Study: VKGL Data-share Consensus. Not counted in ClinVar's aggregate classification.